The following is an entry in ClinVar:

ClinVar aggregate classification (germline): Benign/Likely benign. Review status: criteria provided, multiple submitters, no conflicts (2 of 4 stars). 5 submissions from 5 submitters: Benign (1); Likely benign (3). 1 of the submissions does not count toward it. Last evaluated 2026-01-24.

Conditions:
MTRR-related disorder. Also called: MTRR-related condition.
Methylcobalamin deficiency type cblE (HMAE). Also called: HOMOCYSTINURIA-MEGALOBLASTIC ANEMIA, cblE COMPLEMENTATION TYPE; VITAMIN B12-RESPONSIVE HOMOCYSTINURIA, cblE TYPE; HOMOCYSTINURIA-MEGALOBLASTIC ANEMIA, cblE TYPE. Identifiers: Orphanet 2169, Orphanet 622, MedGen C1856057, MONDO:0009354, OMIM 236270.

Allele frequency attached by ClinVar (database versions not stated): gnomAD 0.00120 and 0.00111; TOPMed 0.00131; gnomAD exomes 0.00012 and 0.00035; ExAC 0.00047; 1000 Genomes Project 30x 0.00094; 1000 Genomes Project 0.00100; ESP Exome Variant Server 0.00192.
gnomAD v4.1: 354 of 1,614,112 alleles (0.022%); highest among the groups gnomAD compares: African/African-American, 0.4%; no homozygotes.

Submissions (5):

Labcorp Genetics (formerly Invitae), Labcorp
Classification: Benign for Methylcobalamin deficiency type cblE. Last evaluated: 2026-01-24. Review status: criteria provided, single submitter. Criteria: Invitae Variant Classification Sherloc (09022015). Collection method: clinical testing. Allele origin: germline.

PreventionGenetics, part of Exact Sciences
Classification: Likely benign for MTRR-related condition. Last evaluated: 2025-03-22. Review status: criteria provided, single submitter. Criteria: ACMG Guidelines, 2015. Collection method: clinical testing. Allele origin: germline.
Comment: This variant is classified as likely benign based on ACMG/AMP sequence variant interpretation guidelines (Richards et al. 2015 PMID: 25741868, with internal and published modifications).

Blueprint Genetics
Classification: Likely benign. Last evaluated: 2024-08-06. Review status: criteria provided, single submitter. Criteria: ACMG Guidelines, 2015. Collection method: clinical testing. Allele origin: germline.

GeneDx
Classification: Likely benign. Last evaluated: 2017-09-01. Review status: criteria provided, single submitter. Criteria: GeneDx Variant Classification (06012015). Collection method: clinical testing. Allele origin: germline. Affected: yes.
Comment: This variant is considered likely benign or benign based on one or more of the following criteria: it is a conservative change, it occurs at a poorly conserved position in the protein, it is predicted to be benign by multiple in silico algorithms, and/or has population frequency not consistent with disease.

Natera, Inc.
Classification: Likely benign for CblE complementation type homocystinuria-megaloblastic anemia due to defect in cobalamin metabolism. Last evaluated: 2019-12-17. Review status: no assertion criteria provided. Collection method: clinical testing. Allele origin: germline. Not counted in ClinVar's aggregate classification.

NM_002454.3(MTRR):c.144C>T (p.Thr48=)

Gene: MTRR (5-methyltetrahydrofolate-homocysteine methyltransferase reductase; plus strand). Cytogenetic location: 5p15.31.
Variant type: single nucleotide variant.
Coding change: c.144C>T on transcript NM_002454.3 (MANE Select); coding-DNA position 144, C replaced by T.
Protein change: p.Thr48=; no amino-acid change (threonine 48 retained).
Molecular consequence: synonymous variant. On other transcripts: non-coding transcript variant (8).
Genome position (GRCh38, 1-based): chr5:7,873,387, C>T. VCF-style: chr5-7873387-C-T. GRCh37 (hg19) VCF-style: chr5-7873500-C-T.
Other names: c.144C>T, p.Thr48= (NM_001364440.2, NM_001364441.2, NM_001364442.2 and 1 more transcripts).
Identifiers: ClinVar variation 382989 (VCV000382989.19), dbSNP rs138612190, ClinGen allele CA3195502.
Genomic context (GRCh38, chr5:7,873,387, plus strand): 5'-AATGCATGTAGTGTTAGGTCCCTGACTTGATATCCTTGTTTTGTAGTATGACCTAAAAAC[C>T]GAAACAGCTCCTCTTGTTGTTGTGGTTTCTACCACGGGCACCGGAGACCCACCCGACACA-3'
Protein context (NP_002445.2, residues 38-58): ISESDKYDLK[Thr48=]ETAPLVVVVS